The following is an entry in ClinVar:

Conditions:
Arteriohepatic dysplasia. Also called: Alagille Syndrome. Identifiers: Orphanet 52, MedGen C0085280, MeSH D016738, MONDO:0007318.

Submission:

Gilbert/Spinner Lab, Children's Hospital of Philadelphia
No classification provided (evidence only). Condition: Alagille syndrome. Review status: no classification provided. Collection method: research. Allele origin: not applicable. Functional consequence: functionally_abnormal.
ClinVar note: "not provided" was previously submitted as the classification for the variant. However, the classification appeared to be based only on an observation of functional data so it was converted to no classification on 2025-07-30.

NM_000214.3(JAG1):c.829A>T (p.Asn277Tyr)

Gene: JAG1 (jagged canonical Notch ligand 1; minus strand). Cytogenetic location: 20p12.2.
Variant type: single nucleotide variant.
Coding change: c.829A>T on transcript NM_000214.3 (MANE Select); coding-DNA position 829, A replaced by T.
Protein change: p.Asn277Tyr; replaces asparagine 277 with tyrosine.
Molecular consequence: missense variant.
Genome position (GRCh38, 1-based): chr20:10,652,525, T>A on the plus strand (A>T on the coding strand, the complement: JAG1 is on the minus strand). VCF-style: chr20-10652525-T-A. GRCh37 (hg19) VCF-style: chr20-10633173-T-A.
Other names: short protein forms N277Y.
Identifiers: ClinVar variation 3573128 (VCV003573128.2).